The following is an entry in ClinVar:

ClinVar aggregate classification (germline): Conflicting classifications of pathogenicity. Review status: criteria provided, conflicting classifications (1 of 4 stars). 3 submissions from 3 submitters: Uncertain significance (1); Likely benign (2). Last evaluated 2025-09-30.

Conditions:
Hereditary cancer-predisposing syndrome. Also called: Tumor predisposition; Neoplastic Syndromes, Hereditary; Hereditary Cancer Syndrome; Hereditary neoplastic syndrome. Identifiers: Orphanet 140162, MedGen C0027672, MeSH D009386, MONDO:0015356.

Allele frequency attached by ClinVar (database versions not stated): gnomAD 0.00001; gnomAD exomes 0.00002.
gnomAD v4.1: 29 of 1,610,452 alleles (0.0018%); highest among the groups gnomAD compares: Non-Finnish European, 0.0025%; no homozygotes.

Submissions (3):

Labcorp Genetics (formerly Invitae), Labcorp
Classification: Likely benign. Last evaluated: 2025-09-30. Review status: criteria provided, single submitter. Criteria: Invitae Variant Classification Sherloc (09022015). Collection method: clinical testing. Allele origin: germline.

GeneDx
Classification: Uncertain significance. Last evaluated: 2023-08-01. Review status: criteria provided, single submitter. Criteria: GeneDx Variant Classification Process June 2021. Collection method: clinical testing. Allele origin: germline. Affected: yes.
Comment: Not observed at significant frequency in large population cohorts (gnomAD); Has not been previously published as pathogenic or benign to our knowledge; In silico analysis suggests this variant may impact gene splicing. In the absence of RNA/functional studies, the actual effect of this sequence change is unknown.

Ambry Genetics
Classification: Likely benign for Hereditary cancer-predisposing syndrome. Last evaluated: 2023-02-28. Review status: criteria provided, single submitter. Criteria: Ambry Variant Classification Scheme 2023. Collection method: clinical testing. Allele origin: germline.

NM_002439.5(MSH3):c.2115C>T (p.Asp705=)

Gene: MSH3 (mutS homolog 3; plus strand). Cytogenetic location: 5q14.1.
Variant type: single nucleotide variant.
Coding change: c.2115C>T on transcript NM_002439.5 (MANE Select); coding-DNA position 2115, C replaced by T.
Protein change: p.Asp705=; no amino-acid change (aspartic acid 705 retained).
Molecular consequence: synonymous variant.
Genome position (GRCh38, 1-based): chr5:80,768,865, C>T. VCF-style: chr5-80768865-C-T. GRCh37 (hg19) VCF-style: chr5-80064684-C-T.
Identifiers: ClinVar variation 760379 (VCV000760379.14), dbSNP rs575812929, ClinGen allele CA445163063.